The following is an entry in ClinVar:

NM_024426.6(WT1):c.314_318dup (p.Trp107fs)

Genes: WT1 (WT1 transcription factor; minus strand), LOC107982234 (WT1/WT1-AS bi-directional promoter region; plus strand). Cytogenetic location: 11p13.
Variant type: Duplication.
Coding change: c.314_318dup on transcript NM_024426.6 (MANE Select); coding-DNA positions 314 to 318, 5 bases duplicated (CGCAG; older notation c.314_318dupCGCAG).
Protein change: p.Trp107fs; shifts the reading frame from tryptophan 107.
Molecular consequence: frameshift variant. On other transcripts: non-coding transcript variant (1).
Genome position (GRCh38, 1-based): chr11:32,435,043-32,435,047, CTGCG duplicated on the plus strand (CGCAG on the coding strand, the reverse complement: WT1 is on the minus strand); duplicating any 5 consecutive bases within chr11:32,435,043-32,435,048 gives the same sequence; the c. name uses the placement nearest the transcript's 3' end. VCF-style (leftmost placement, unchanged base first): chr11-32435042-A-ACTGCG. GRCh37 (hg19) VCF-style: chr11-32456588-A-ACTGCG.
Other names: c.314_318dup, p.Trp107fs (NM_000378.6, NM_024424.5); short protein forms W107fs.
Identifiers: ClinVar variation 1456851 (VCV001456851.6), dbSNP rs2133104877, ClinGen allele CA2573146229.

ClinVar aggregate classification (germline): Pathogenic (1 of 4 stars; one submission).

Conditions:
Drash syndrome (DDS). Also called: NEPHROPATHY, WILMS TUMOR, AND GENITAL ANOMALIES; WILMS TUMOR AND PSEUDO- OR TRUE HERMAPHRODITISM. Identifiers: Orphanet 220, MedGen C0950121, MONDO:0008682, OMIM 194080.
Wilms tumor 1 (WT1). Also called: Wilms tumor, somatic. Identifiers: Orphanet 654, MedGen CN033288, MONDO:0008679, OMIM 194070.
11p partial monosomy syndrome (WAGR). Also called: WAGR Complex; WAGR Spectrum Disorder; CHROMOSOME 11p13 DELETION SYNDROME; WAGR syndrome. Identifiers: Orphanet 893, MedGen C0206115, MONDO:0008681, OMIM 194072.
Frasier syndrome. Identifiers: Orphanet 347, MedGen C0950122, MeSH D052159, MONDO:0007635, OMIM 136680.

Submission:

Labcorp Genetics (formerly Invitae), Labcorp
Classification: Pathogenic for Wilms tumor 1; Drash syndrome; 11p partial monosomy syndrome; Frasier syndrome. Last evaluated: 2021-04-23. Review status: criteria provided, single submitter. Criteria: Invitae Variant Classification Sherloc (09022015). Collection method: clinical testing. Allele origin: germline.
Comment: For these reasons, this variant has been classified as Pathogenic. This variant has not been reported in the literature in individuals with WT1-related conditions. The frequency data for this variant in the population databases is considered unreliable, as metrics indicate insufficient coverage at this position in the ExAC database. This sequence change creates a premature translational stop signal (p.Trp102Argfs*58) in the WT1 gene. It is expected to result in an absent or disrupted protein product. Loss-of-function variants in WT1 are known to be pathogenic (PMID: 15150775).

Literature cited by the submitters: PubMed 15150775.